The following is an entry in ClinVar:

ClinVar aggregate classification (germline): Uncertain significance (1 of 4 stars; one submission).

Allele frequency attached by ClinVar (database versions not stated): ExAC 0.00001; gnomAD exomes 0.00001.
gnomAD v4.1: 13 of 1,612,964 alleles (0.00081%); highest among the groups gnomAD compares: Non-Finnish European, 0.0011%; no homozygotes.

Submission:

Labcorp Genetics (formerly Invitae), Labcorp
Classification: Uncertain significance. Last evaluated: 2021-12-19. Review status: criteria provided, single submitter. Criteria: Invitae Variant Classification Sherloc (09022015). Collection method: clinical testing. Allele origin: germline.
Comment: In summary, the available evidence is currently insufficient to determine the role of this variant in disease. Therefore, it has been classified as a Variant of Uncertain Significance. Algorithms developed to predict the effect of missense changes on protein structure and function (SIFT, PolyPhen-2, Align-GVGD) all suggest that this variant is likely to be tolerated. This variant has not been reported in the literature in individuals affected with CD81-related conditions. This variant is present in population databases (rs759382182, gnomAD 0.0009%). This sequence change replaces threonine, which is neutral and polar, with alanine, which is neutral and non-polar, at codon 42 of the CD81 protein (p.Thr42Ala).

NM_004356.4(CD81):c.124A>G (p.Thr42Ala)

Gene: CD81 (CD81 molecule; plus strand). Cytogenetic location: 11p15.5.
Variant type: single nucleotide variant.
Coding change: c.124A>G on transcript NM_004356.4 (MANE Select); coding-DNA position 124, A replaced by G.
Protein change: p.Thr42Ala; replaces threonine 42 with alanine.
Molecular consequence: missense variant. On other transcripts: 5 prime UTR variant (1).
Genome position (GRCh38, 1-based): chr11:2,390,469, A>G. VCF-style: chr11-2390469-A-G. GRCh37 (hg19) VCF-style: chr11-2411699-A-G.
Other names: c.-90A>G (NM_001297649.2); short protein forms T42A.
Identifiers: ClinVar variation 1953783 (VCV001953783.5), dbSNP rs759382182, ClinGen allele CA5819841.